The following is an entry in ClinVar:

NM_017739.4(POMGNT1):c.1374C>A (p.Tyr458Ter)

Genes: TSPAN1 (tetraspanin 1; plus strand), POMGNT1 (protein O-linked mannose N-acetylglucosaminyltransferase 1 (beta 1,2-); minus strand). Cytogenetic location: 1p34.1.
Variant type: single nucleotide variant.
Coding change: c.1374C>A on transcript NM_017739.4 (MANE Select); coding-DNA position 1374, C replaced by A.
Protein change: p.Tyr458Ter; replaces tyrosine 458 with a stop codon.
Molecular consequence: nonsense.
Genome position (GRCh38, 1-based): chr1:46,192,347, G>T on the plus strand (C>A on the coding strand, the complement: POMGNT1 is on the minus strand). VCF-style: chr1-46192347-G-T. GRCh37 (hg19) VCF-style: chr1-46658019-G-T.
Other names: c.1374C>A, p.Tyr458Ter (NM_001243766.2, NM_001410783.1, NM_001437653.1 and 3 more transcripts); c.1308C>A, p.Tyr436Ter (NM_001290129.3, NM_001438691.1, NM_001438692.1); c.945C>A, p.Tyr315Ter (NM_001290130.2); short protein forms Y315*, Y436*, Y458*.
Identifiers: ClinVar variation 5013613 (VCV005013613.1).

ClinVar aggregate classification (germline): Pathogenic (1 of 4 stars; one submission).

Conditions:
Myopathy caused by variation in POMGNT1. Identifiers: MedGen CN305639, MONDO:0700068.

Submission:

Myriad Genetics, Inc.
Classification: Pathogenic for Myopathy caused by variation in POMGNT1. Last evaluated: 2024-10-04. Review status: criteria provided, single submitter. Criteria: Myriad Autosomal Dominant, Autosomal Recessive and X-Linked Classification Criteria (2023). Collection method: clinical testing. Allele origin: unknown.
Comment: NM_017739.3(POMGNT1):c.1374C>A(Y458*) is expected to be pathogenic in the context of POMGNT1-related disorders. This variant is predicted to lead to an abnormal or absent protein product due to the creation of a premature termination codon in POMGNT1, a gene where loss-of-function variants are known to be pathogenic. Please note: this variant was assessed in the context of healthy population screening.